The following is an entry in ClinVar:

NM_001037333.3(CYFIP2):c.1523+5G>A

Gene: CYFIP2 (cytoplasmic FMR1 interacting protein 2; plus strand). Cytogenetic location: 5q33.3.
Variant type: single nucleotide variant.
Coding change: c.1523+5G>A on transcript NM_001037333.3 (MANE Select); 5 bases into the intron after coding-DNA position 1523, G replaced by A.
Molecular consequence: intron variant.
Genome position (GRCh38, 1-based): chr5:157,319,933, G>A. VCF-style: chr5-157319933-G-A. GRCh37 (hg19) VCF-style: chr5-156746941-G-A.
Other names: c.1523+5G>A (NM_001291722.2, NM_014376.4); c.1445+5G>A (NM_001291721.2).
Identifiers: ClinVar variation 3235762 (VCV003235762.1), dbSNP rs2532392440, ClinGen allele CA2825001428.

ClinVar aggregate classification (germline): Uncertain significance (1 of 4 stars; one submission).

Submission:

Greenwood Genetic Center Diagnostic Laboratories, Greenwood Genetic Center
Classification: Uncertain significance. Last evaluated: 2024-02-26. Review status: criteria provided, single submitter. Criteria: ACMG Guidelines, 2015. Collection method: clinical testing. Allele origin: germline. Affected: yes.
Comment: Gene of Uncertain Significance